The following is an entry in ClinVar:

ClinVar aggregate classification (germline): Uncertain significance (1 of 4 stars; one submission).

Conditions:
Ehlers-Danlos syndrome, classic type, 1 (EDSCL1). Also called: EHLERS-DANLOS SYNDROME, GRAVIS TYPE; EHLERS-DANLOS SYNDROME, SEVERE CLASSIC TYPE; Ehlers-Danlos syndrome, type 1; Ehlers-Danlos Syndrome, Classic Type, COL5A1-Related; EDS I. Identifiers: MedGen C0268335, MONDO:0019567, OMIM 130000.

Submission:

Labcorp Genetics (formerly Invitae), Labcorp
Classification: Uncertain significance for Ehlers-Danlos syndrome, classic type, 1. Last evaluated: 2022-12-22. Review status: criteria provided, single submitter. Criteria: Invitae Variant Classification Sherloc (09022015). Collection method: clinical testing. Allele origin: germline.
Comment: Advanced modeling of protein sequence and biophysical properties (such as structural, functional, and spatial information, amino acid conservation, physicochemical variation, residue mobility, and thermodynamic stability) performed at Invitae indicates that this missense variant is not expected to disrupt COL5A1 protein function. This variant has not been reported in the literature in individuals affected with COL5A1-related conditions. This variant is not present in population databases (gnomAD no frequency). This sequence change replaces arginine, which is basic and polar, with glycine, which is neutral and non-polar, at codon 1585 of the COL5A1 protein (p.Arg1585Gly). In summary, the available evidence is currently insufficient to determine the role of this variant in disease. Therefore, it has been classified as a Variant of Uncertain Significance.

NM_000093.5(COL5A1):c.4753C>G (p.Arg1585Gly)

Genes: COL5A1 (collagen type V alpha 1 chain; plus strand), LOC101448202 (uncharacterized LOC101448202; minus strand). Cytogenetic location: 9q34.3.
Variant type: single nucleotide variant.
Coding change: c.4753C>G on transcript NM_000093.5 (MANE Select); coding-DNA position 4753, C replaced by G.
Protein change: p.Arg1585Gly; replaces arginine 1585 with glycine.
Molecular consequence: missense variant.
Genome position (GRCh38, 1-based): chr9:134,824,654, C>G. VCF-style: chr9-134824654-C-G. GRCh37 (hg19) VCF-style: chr9-137716500-C-G.
Other names: c.4753C>G, p.Arg1585Gly (NM_001278074.1); short protein forms R1585G.
Identifiers: ClinVar variation 2823253 (VCV002823253.3), dbSNP rs546865410, ClinGen allele CA375458374.
Genomic context (GRCh38, chr9:134,824,654, plus strand): 5'-CCCCAGGGCCCCCCGGGAGAGGTCATCCAGCCCCTGCCAATCCAGGCATCCAGGACGCGG[C>G]GGAACATCGACGCCAGCCAGCTGCTGGACGACGGGAATGGCGAGAACTACGTGGACTACG-3'
Protein context (NP_000084.3, residues 1575-1595): PLPIQASRTR[Arg1585Gly]NIDASQLLDD